The following is an entry in ClinVar:

ClinVar aggregate classification (germline): Pathogenic (1 of 4 stars; one submission).

Submission:

Labcorp Genetics (formerly Invitae), Labcorp
Classification: Pathogenic. Last evaluated: 2024-12-12. Review status: criteria provided, single submitter. Criteria: Invitae Variant Classification Sherloc (09022015). Collection method: clinical testing. Allele origin: germline.
Comment: This sequence change creates a premature translational stop signal (p.Ser138Valfs*13) in the CYP4V2 gene. It is expected to result in an absent or disrupted protein product. Loss-of-function variants in CYP4V2 are known to be pathogenic (PMID: 15042513, 25118264). This variant is not present in population databases (gnomAD no frequency). This variant has not been reported in the literature in individuals affected with CYP4V2-related conditions. For these reasons, this variant has been classified as Pathogenic.

Literature cited by the submitters: PubMed 15042513; PubMed 25118264.

NM_207352.4(CYP4V2):c.412del (p.Ser138fs)

Gene: CYP4V2 (cytochrome P450 family 4 subfamily V member 2; plus strand). Cytogenetic location: 4q35.1.
Variant type: Deletion.
Coding change: c.412del on transcript NM_207352.4 (MANE Select); coding-DNA position 412, one base deleted (A; older notation c.412delA).
Protein change: p.Ser138fs; shifts the reading frame from serine 138.
Molecular consequence: frameshift variant.
Genome position (GRCh38, 1-based): chr4:186,196,087, A deleted; the last of 2 consecutive A bases (chr4:186,196,086-186,196,087); deleting either gives the same sequence. VCF-style (leftmost placement, unchanged base first): chr4-186196085-CA-C. GRCh37 (hg19) VCF-style: chr4-187117239-CA-C.
Other names: short protein forms S138fs.
Identifiers: ClinVar variation 3727229 (VCV003727229.2).